The following is an entry in ClinVar:

NM_001458.5(FLNC):c.448G>A (p.Asp150Asn)

Gene: FLNC (filamin C; plus strand). Cytogenetic location: 7q32.1.
Variant type: single nucleotide variant.
Coding change: c.448G>A on transcript NM_001458.5 (MANE Select); coding-DNA position 448, G replaced by A.
Protein change: p.Asp150Asn; replaces aspartic acid 150 with asparagine.
Molecular consequence: missense variant.
Genome position (GRCh38, 1-based): chr7:128,835,421, G>A. VCF-style: chr7-128835421-G-A. GRCh37 (hg19) VCF-style: chr7-128475475-G-A.
Other names: c.448G>A, p.Asp150Asn (NM_001127487.2); short protein forms D150N.
Identifiers: ClinVar variation 3515939 (VCV003515939.2).

ClinVar aggregate classification (germline): Uncertain significance. Review status: criteria provided, multiple submitters, no conflicts (2 of 4 stars). 2 submissions from 2 submitters: Uncertain significance (2). Last evaluated 2025-08-06.

Conditions:
Distal myopathy with posterior leg and anterior hand involvement. Also called: WILLIAMS DISTAL MYOPATHY. Identifiers: Orphanet 63273, MedGen C3279722, MONDO:0013550, OMIM 614065.
Hypertrophic cardiomyopathy 26. Also called: Cardiomyopathy, familial hypertrophic, 26. Identifiers: Orphanet 75249, MedGen C4310749, MONDO:0014883, OMIM 617047.
Myofibrillar myopathy 5. Also called: Filaminopathy (type); FILAMINOPATHY, AUTOSOMAL DOMINANT. Identifiers: Orphanet 171445, MedGen C1836050, MONDO:0012289, OMIM 609524.
Cardiovascular phenotype. Identifiers: MedGen CN230736.

gnomAD v4.1: 3 of 1,614,040 alleles (0.00019%); highest among the groups gnomAD compares: Non-Finnish European, 0.00025%; no homozygotes.

Submissions (2):

Labcorp Genetics (formerly Invitae), Labcorp
Classification: Uncertain significance for Distal myopathy with posterior leg and anterior hand involvement; Myofibrillar myopathy 5; Hypertrophic cardiomyopathy 26. Last evaluated: 2025-08-06. Review status: criteria provided, single submitter. Criteria: Invitae Variant Classification Sherloc (09022015). Collection method: clinical testing. Allele origin: germline.
Comment: This sequence change replaces aspartic acid, which is acidic and polar, with asparagine, which is neutral and polar, at codon 150 of the FLNC protein (p.Asp150Asn). This variant is not present in population databases (gnomAD no frequency). This variant has not been reported in the literature in individuals affected with FLNC-related conditions. ClinVar contains an entry for this variant (Variation ID: 3515939). Invitae Evidence Modeling of protein sequence and biophysical properties (such as structural, functional, and spatial information, amino acid conservation, physicochemical variation, residue mobility, and thermodynamic stability) has been performed for this missense variant. However, the output from this modeling did not meet the statistical confidence thresholds required to predict the impact of this variant on FLNC protein function. In summary, the available evidence is currently insufficient to determine the role of this variant in disease. Therefore, it has been classified as a Variant of Uncertain Significance.

Ambry Genetics
Classification: Uncertain significance for Cardiovascular phenotype. Last evaluated: 2024-08-24. Review status: criteria provided, single submitter. Criteria: Ambry Variant Classification Scheme 2023. Collection method: clinical testing. Allele origin: germline.
Comment: The p.D150N variant (also known as c.448G>A), located in coding exon 2 of the FLNC gene, results from a G to A substitution at nucleotide position 448. The aspartic acid at codon 150 is replaced by asparagine, an amino acid with highly similar properties. This amino acid position is conserved. In addition, this alteration is predicted to be tolerated by in silico analysis. Based on the available evidence, the clinical significance of this variant remains unclear.